The following is an entry in ClinVar:

NM_000553.6(WRN):c.4244G>A (p.Ser1415Asn)

Genes: WRN (WRN RecQ like helicase; plus strand), LOC126860342 (MED14-independent group 3 enhancer GRCh37_chr8:31029565-31030764; plus strand). Cytogenetic location: 8p12.
Variant type: single nucleotide variant.
Coding change: c.4244G>A on transcript NM_000553.6 (MANE Select); coding-DNA position 4244, G replaced by A.
Protein change: p.Ser1415Asn; replaces serine 1415 with asparagine.
Molecular consequence: missense variant.
Genome position (GRCh38, 1-based): chr8:31,173,047, G>A. VCF-style: chr8-31173047-G-A. GRCh37 (hg19) VCF-style: chr8-31030563-G-A.
Other names: short protein forms S1415N.
Identifiers: ClinVar variation 2119178 (VCV002119178.4), dbSNP rs2536089251, ClinGen allele CA370911729.
Genomic context (GRCh38, chr8:31,173,047, plus strand): 5'-TCCTACAGACTTCATCTGCAGAGAGAAAGAGACGATTACCTGTGTGGTTTGCCAAAGGAA[G>A]TGATACCAGCAAGAAATTAATGGACAAAACGAAAAGGGGAGGTCTTTTTAGTTAAGCTGG-3'
Protein context (NP_000544.2, residues 1405-1425): RRLPVWFAKG[Ser1415Asn]DTSKKLMDKT

ClinVar aggregate classification (germline): Uncertain significance (1 of 4 stars; one submission).

Conditions:
Werner syndrome (WRN). Identifiers: Orphanet 902, MedGen C0043119, MONDO:0010196, OMIM 277700.

Allele frequency attached by ClinVar (database versions not stated): gnomAD exomes below 0.00001.
gnomAD v4.1: 3 of 1,614,042 alleles (0.00019%); highest among the groups gnomAD compares: Non-Finnish European, 0.00025%; no homozygotes.

Submission:

Labcorp Genetics (formerly Invitae), Labcorp
Classification: Uncertain significance for Werner syndrome. Last evaluated: 2023-08-16. Review status: criteria provided, single submitter. Criteria: Invitae Variant Classification Sherloc (09022015). Collection method: clinical testing. Allele origin: germline.
Comment: This sequence change replaces serine, which is neutral and polar, with asparagine, which is neutral and polar, at codon 1415 of the WRN protein (p.Ser1415Asn). This variant is not present in population databases (gnomAD no frequency). This variant has not been reported in the literature in individuals affected with WRN-related conditions. ClinVar contains an entry for this variant (Variation ID: 2119178). Algorithms developed to predict the effect of missense changes on protein structure and function output the following: SIFT: "Not Available"; PolyPhen-2: "Benign"; Align-GVGD: "Not Available". The asparagine amino acid residue is found in multiple mammalian species, which suggests that this missense change does not adversely affect protein function. In summary, the available evidence is currently insufficient to determine the role of this variant in disease. Therefore, it has been classified as a Variant of Uncertain Significance.